The following is an entry in ClinVar:

ClinVar aggregate classification (germline): Benign (1 of 4 stars; one submission).

Conditions:
Colorectal cancer, hereditary nonpolyposis, type 7. Identifiers: Orphanet 144, MedGen C1858380, MONDO:0013725, OMIM 614385.

Submission:

Myriad Genetics, Inc.
Classification: Benign for Colorectal cancer, hereditary nonpolyposis, type 7. Last evaluated: 2026-09-14. Review status: criteria provided, single submitter. Criteria: Myriad Autosomal Dominant, Autosomal Recessive and X-Linked Classification Criteria (2023). Collection method: clinical testing. Allele origin: unknown.
Comment: This variant is considered benign. This variant is a silent/synonymous amino acid change and it is not expected to impact splicing.

NM_001040108.2(MLH3):c.4320G>A (p.Arg1440=)

Gene: MLH3 (mutL homolog 3; minus strand). Cytogenetic location: 14q24.3.
Variant type: single nucleotide variant.
Coding change: c.4320G>A on transcript NM_001040108.2 (MANE Select); coding-DNA position 4320, G replaced by A.
Protein change: p.Arg1440=; no amino-acid change (arginine 1440 retained).
Molecular consequence: synonymous variant.
Genome position (GRCh38, 1-based): chr14:75,017,124, C>T on the plus strand (G>A on the coding strand, the complement: MLH3 is on the minus strand). VCF-style: chr14-75017124-C-T. GRCh37 (hg19) VCF-style: chr14-75483827-C-T.
Other names: c.4248G>A, p.Arg1416= (NM_014381.3).
Identifiers: ClinVar variation 5042207 (VCV005042207.1).